The following is an entry in ClinVar:

NM_139318.5(KCNH5):c.2872C>T (p.Pro958Ser)

Gene: KCNH5 (potassium voltage-gated channel subfamily H member 5; minus strand). Cytogenetic location: 14q23.2.
Variant type: single nucleotide variant.
Coding change: c.2872C>T on transcript NM_139318.5 (MANE Select); coding-DNA position 2872, C replaced by T.
Protein change: p.Pro958Ser; replaces proline 958 with serine.
Molecular consequence: missense variant. On other transcripts: 3 prime UTR variant (1).
Genome position (GRCh38, 1-based): chr14:62,707,603, G>A on the plus strand (C>T on the coding strand, the complement: KCNH5 is on the minus strand). VCF-style: chr14-62707603-G-A. GRCh37 (hg19) VCF-style: chr14-63174321-G-A.
Other names: c.*839C>T (NM_172375.3); c.2872C>T (NM_139318.3); short protein forms P958S.
Identifiers: ClinVar variation 1385516 (VCV001385516.8), dbSNP rs141160972, ClinGen allele CA7217166.

ClinVar aggregate classification (germline): Uncertain significance. Review status: criteria provided, multiple submitters, no conflicts (2 of 4 stars). 2 submissions from 2 submitters: Uncertain significance (2). Last evaluated 2026-01-12.

Conditions:
Early-infantile DEE. Also called: Ohtahara syndrome; Early infantile epileptic encephalopathy; Early infantile epileptic encephalopathy with suppression bursts. Identifiers: Orphanet 1934, MedGen C0393706, MONDO:0800491.
Inborn genetic diseases. Identifiers: MedGen C0950123, MeSH D030342.

Allele frequency attached by ClinVar (database versions not stated): ExAC 0.00001; TOPMed 0.00002; gnomAD 0.00003; gnomAD exomes 0.00003 and 0.00004; ESP Exome Variant Server 0.00008.
gnomAD v4.1: 60 of 1,541,346 alleles (0.0039%); highest among the groups gnomAD compares: Middle Eastern, 0.017%; no homozygotes.

Submissions (2):

Labcorp Genetics (formerly Invitae), Labcorp
Classification: Uncertain significance for Early-infantile DEE. Last evaluated: 2026-01-12. Review status: criteria provided, single submitter. Criteria: Invitae Variant Classification Sherloc (09022015). Collection method: clinical testing. Allele origin: germline.
Comment: This sequence change replaces proline, which is neutral and non-polar, with serine, which is neutral and polar, at codon 958 of the KCNH5 protein (p.Pro958Ser). This variant is present in population databases (rs141160972, gnomAD 0.006%). This variant has not been reported in the literature in individuals affected with KCNH5-related conditions. ClinVar contains an entry for this variant (Variation ID: 1385516). Invitae Evidence Modeling of protein sequence and biophysical properties (such as structural, functional, and spatial information, amino acid conservation, physicochemical variation, residue mobility, and thermodynamic stability) indicates that this missense variant is not expected to disrupt KCNH5 protein function with a negative predictive value of 95%. In summary, the available evidence is currently insufficient to determine the role of this variant in disease. Therefore, it has been classified as a Variant of Uncertain Significance.

Ambry Genetics
Classification: Uncertain significance for Inborn genetic diseases. Last evaluated: 2022-09-26. Review status: criteria provided, single submitter. Criteria: Ambry Variant Classification Scheme 2023. Collection method: clinical testing. Allele origin: germline.